The following is an entry in ClinVar:

NM_000222.3(KIT):c.2064A>G (p.Ser688=)

Gene: KIT (KIT proto-oncogene, receptor tyrosine kinase; plus strand). Cytogenetic location: 4q12.
Variant type: single nucleotide variant.
Coding change: c.2064A>G on transcript NM_000222.3 (MANE Select); coding-DNA position 2064, A replaced by G.
Protein change: p.Ser688=; no amino-acid change (serine 688 retained).
Molecular consequence: synonymous variant.
Genome position (GRCh38, 1-based): chr4:54,729,408, A>G. VCF-style: chr4-54729408-A-G. GRCh37 (hg19) VCF-style: chr4-55595574-A-G.
Other names: c.2052A>G, p.Ser684= (NM_001093772.2, NM_001385286.1); c.2067A>G, p.Ser689= (NM_001385284.1, NM_001385290.1); c.2064A>G, p.Ser688= (NM_001385285.1); c.2055A>G, p.Ser685= (NM_001385288.1, NM_001385292.1).
Identifiers: ClinVar variation 1145393 (VCV001145393.12), dbSNP rs2109786448, ClinGen allele CA439291596.

ClinVar aggregate classification (germline): Benign/Likely benign. Review status: criteria provided, multiple submitters, no conflicts (2 of 4 stars). 3 submissions from 3 submitters: Benign (1); Likely benign (2). Last evaluated 2026-06-04.

Conditions:
Gastrointestinal stromal tumor. Also called: Gastrointestinal stroma tumor; Gastrointestinal stromal tumor, somatic. Identifiers: Orphanet 44890, MedGen C0238198, MeSH D046152, MONDO:0011719, OMIM 606764, HP:0100723.
Hereditary cancer-predisposing syndrome. Also called: Tumor predisposition; Hereditary Cancer Syndrome; Hereditary neoplastic syndrome; Neoplastic Syndromes, Hereditary. Identifiers: Orphanet 140162, MedGen C0027672, MeSH D009386, MONDO:0015356.

Submissions (3):

Myriad Genetics, Inc.
Classification: Benign for Gastrointestinal stromal tumor. Last evaluated: 2026-06-04. Review status: criteria provided, single submitter. Criteria: Myriad Autosomal Dominant, Autosomal Recessive and X-Linked Classification Criteria (2023). Collection method: clinical testing. Allele origin: unknown.
Comment: This variant is considered benign. This variant is a silent/synonymous amino acid change and it is not expected to impact splicing.

Labcorp Genetics (formerly Invitae), Labcorp
Classification: Likely benign for Gastrointestinal stromal tumor. Last evaluated: 2024-05-02. Review status: criteria provided, single submitter. Criteria: Invitae Variant Classification Sherloc (09022015). Collection method: clinical testing. Allele origin: germline.

Ambry Genetics
Classification: Likely benign for Hereditary cancer-predisposing syndrome. Last evaluated: 2019-12-18. Review status: criteria provided, single submitter. Criteria: Ambry Variant Classification Scheme 2023. Collection method: clinical testing. Allele origin: germline.